The following is an entry in ClinVar:

ClinVar aggregate classification (germline): Conflicting classifications of pathogenicity. Review status: criteria provided, conflicting classifications (1 of 4 stars). 2 submissions from 2 submitters: Likely pathogenic (1); Uncertain significance (1). Last evaluated 2024-07-25.

Conditions:
Hereditary spastic paraplegia 2 (SPG2). Also called: SPASTIC PARAPLEGIA 2, X-LINKED; Spastic Paraplegia 2 (SPG2). Identifiers: Orphanet 99015, MedGen C0751604, MONDO:0010733, OMIM 312920.

Submissions (2):

GeneDx
Classification: Likely pathogenic. Last evaluated: 2024-07-25. Review status: criteria provided, single submitter. Criteria: GeneDx Variant Classification Process June 2021. Collection method: clinical testing. Allele origin: germline. Affected: yes.
Comment: Not observed at significant frequency in large population cohorts (gnomAD); Intronic +5 splice site variant in a gene for which loss of function is a known mechanism of disease, and both splice predictors and evolutionary conservation support a deleterious effect, although in the absence of functional evidence the actual effect of this sequence change is unknown.; This variant is associated with the following publications: (PMID: Fang2022[Abstract], 23347225)

Labcorp Genetics (formerly Invitae), Labcorp
Classification: Uncertain significance for Hereditary spastic paraplegia 2. Last evaluated: 2024-05-06. Review status: criteria provided, single submitter. Criteria: Invitae Variant Classification Sherloc (09022015). Collection method: clinical testing. Allele origin: germline.
Comment: This sequence change falls in intron 6 of the PLP1 gene. It does not directly change the encoded amino acid sequence of the PLP1 protein. It affects a nucleotide within the consensus splice site. This variant is not present in population databases (gnomAD no frequency). This variant has been observed in individual(s) with PLP null syndrome (PMID: 23347225). Variants that disrupt the consensus splice site are a relatively common cause of aberrant splicing (PMID: 17576681, 9536098). Algorithms developed to predict the effect of sequence changes on RNA splicing suggest that this variant may disrupt the consensus splice site. In summary, the available evidence is currently insufficient to determine the role of this variant in disease. Therefore, it has been classified as a Variant of Uncertain Significance.

Literature cited by the submitters: PubMed 23347225 (cited by Labcorp Genetics (formerly Invitae), Labcorp); PubMed 17576681 (cited by Labcorp Genetics (formerly Invitae), Labcorp); PubMed 9536098 (cited by Labcorp Genetics (formerly Invitae), Labcorp).

NM_000533.5(PLP1):c.762+5G>A

Genes: PLP1 (proteolipid protein 1; plus strand), RAB9B (RAB9B, member RAS oncogene family; minus strand). Cytogenetic location: Xq22.2.
Variant type: single nucleotide variant.
Coding change: c.762+5G>A on transcript NM_000533.5 (MANE Select); 5 bases into the intron after coding-DNA position 762, G replaced by A.
Molecular consequence: intron variant.
Genome position (GRCh38, 1-based): chrX:103,789,403, G>A. VCF-style: chrX-103789403-G-A. GRCh37 (hg19) VCF-style: chrX-103044332-G-A.
Other names: c.762+5G>A (NM_001128834.3); c.657+5G>A (NM_199478.3); c.597+5G>A (NM_001305004.1).
Identifiers: ClinVar variation 3600609 (VCV003600609.3).